The following is an entry in ClinVar:

ClinVar aggregate classification (germline): Uncertain significance (1 of 4 stars; one submission).

Conditions:
RYR1-related disorder. Also called: RYR1-related condition; RYR1-related disorders. Identifiers: MedGen CN239331.

Submission:

Labcorp Genetics (formerly Invitae), Labcorp
Classification: Uncertain significance for RYR1-related disorder. Last evaluated: 2023-10-14. Review status: criteria provided, single submitter. Criteria: Invitae Variant Classification Sherloc (09022015). Collection method: clinical testing. Allele origin: germline.
Comment: This sequence change falls in intron 43 of the RYR1 gene. It does not directly change the encoded amino acid sequence of the RYR1 protein. It affects a nucleotide within the consensus splice site. This variant is not present in population databases (gnomAD no frequency). This variant has not been reported in the literature in individuals affected with RYR1-related conditions. Variants that disrupt the consensus splice site are a relatively common cause of aberrant splicing (PMID: 17576681, 9536098). Algorithms developed to predict the effect of sequence changes on RNA splicing suggest that this variant may disrupt the consensus splice site. In summary, the available evidence is currently insufficient to determine the role of this variant in disease. Therefore, it has been classified as a Variant of Uncertain Significance.

Literature cited by the submitters: PubMed 17576681; PubMed 9536098.

NM_000540.3(RYR1):c.7027+5G>A

Gene: RYR1 (ryanodine receptor 1; plus strand). Cytogenetic location: 19q13.2.
Variant type: single nucleotide variant.
Coding change: c.7027+5G>A on transcript NM_000540.3 (MANE Select); 5 bases into the intron after coding-DNA position 7027, G replaced by A.
Molecular consequence: intron variant.
Genome position (GRCh38, 1-based): chr19:38,499,248, G>A. VCF-style: chr19-38499248-G-A. GRCh37 (hg19) VCF-style: chr19-38989888-G-A.
Other names: c.7027+5G>A (NM_001042723.2).
Identifiers: ClinVar variation 2712190 (VCV002712190.3), dbSNP rs2514308967, ClinGen allele CA2697556571.